The following is an entry in ClinVar:

ClinVar aggregate classification (germline): Benign/Likely benign. Review status: criteria provided, multiple submitters, no conflicts (2 of 4 stars). 3 submissions from 3 submitters: Benign (1); Likely benign (2). Last evaluated 2026-01-14.

Conditions:
Hawkinsinuria. Identifiers: Orphanet 2118, MedGen C2931042, MONDO:0007700, OMIM 140350, HP:0034457.
Tyrosinemia type III. Also called: Tyrosinemia type 3; 4-alpha hydroxyphenylpyruvic acid oxidase deficiency; 4-alpha hydroxyphenylpyruvate dioxygenase deficiency; 4-Hydroxyphenylpyruvate dioxygenase deficiency; 4-HYDROXYPHENYLPYRUVIC ACID OXIDASE DEFICIENCY. Identifiers: Orphanet 69723, MedGen C0268623, MONDO:0010162, OMIM 276710.

Allele frequency attached by ClinVar (database versions not stated): gnomAD 0.00017; TOPMed 0.00019; gnomAD exomes 0.00021 and 0.00024; ESP Exome Variant Server 0.00023; ExAC 0.00026; 1000 Genomes Project 30x 0.00031; 1000 Genomes Project 0.00040.
gnomAD v4.1: 374 of 1,614,146 alleles (0.023%); highest among the groups gnomAD compares: Middle Eastern, 0.066%; no homozygotes.

Submissions (3):

Labcorp Genetics (formerly Invitae), Labcorp
Classification: Benign for Tyrosinemia type III; Hawkinsinuria. Last evaluated: 2026-01-14. Review status: criteria provided, single submitter. Criteria: Invitae Variant Classification Sherloc (09022015). Collection method: clinical testing. Allele origin: germline.

Blueprint Genetics
Classification: Likely benign. Last evaluated: 2024-10-15. Review status: criteria provided, single submitter. Criteria: ACMG Guidelines, 2015. Collection method: clinical testing. Allele origin: germline.

CeGaT Center for Human Genetics Tuebingen
Classification: Likely benign. Last evaluated: 2024-03-01. Review status: criteria provided, single submitter. Criteria: CeGaT Center For Human Genetics Tuebingen Variant Classification Criteria Version 2. Collection method: clinical testing. Allele origin: germline. Affected: yes. Observed: 2 variant alleles.
Comment: HPD: BP4, BP7

NM_002150.3(HPD):c.291G>A (p.Ala97=)

Genes: HPD (4-hydroxyphenylpyruvate dioxygenase; minus strand), TIALD (transcript inducer of AURKA lysosomal degradation; plus strand), LOC126861662 (MED14-independent group 3 enhancer GRCh37_chr12:122293687-122294886; plus strand). Cytogenetic location: 12q24.31.
Variant type: single nucleotide variant.
Coding change: c.291G>A on transcript NM_002150.3 (MANE Select); coding-DNA position 291, G replaced by A.
Protein change: p.Ala97=; no amino-acid change (alanine 97 retained).
Molecular consequence: synonymous variant.
Genome position (GRCh38, 1-based): chr12:121,856,357, C>T on the plus strand (G>A on the coding strand, the complement: HPD is on the minus strand). VCF-style: chr12-121856357-C-T. GRCh37 (hg19) VCF-style: chr12-122294263-C-T.
Other names: c.174G>A, p.Ala58= (NM_001171993.2).
Identifiers: ClinVar variation 1590708 (VCV001590708.33), dbSNP rs139901326, ClinGen allele CA6839728.